The following is an entry in ClinVar:

NM_006949.4(STXBP2):c.1538+28C>T

Gene: STXBP2 (syntaxin binding protein 2; plus strand). Cytogenetic location: 19p13.2.
Variant type: single nucleotide variant.
Coding change: c.1538+28C>T on transcript NM_006949.4 (MANE Select); 28 bases into the intron after coding-DNA position 1538, C replaced by T.
Molecular consequence: intron variant.
Genome position (GRCh38, 1-based): chr19:7,647,275, C>T. VCF-style: chr19-7647275-C-T. GRCh37 (hg19) VCF-style: chr19-7712161-C-T.
Other names: c.1571+28C>T (NM_001272034.2); c.1529+28C>T (NM_001127396.3).
Identifiers: ClinVar variation 260092 (VCV000260092.7), dbSNP rs55954306, ClinGen allele CA9144238.

ClinVar aggregate classification (germline): Benign. Review status: criteria provided, multiple submitters, no conflicts (2 of 4 stars). 4 submissions from 4 submitters: Benign (4). Last evaluated 2023-11-12.

Allele frequency attached by ClinVar (database versions not stated): 1000 Genomes Project 30x 0.05528; gnomAD 0.09819 and 0.10000; ESP Exome Variant Server 0.10117; ExAC 0.10568; 1000 Genomes Project 0.05611; TOPMed 0.09373; gnomAD exomes 0.13001 and 0.10268.
gnomAD v4.1: 203,699 of 1,610,808 alleles (13%); highest among the groups gnomAD compares: Non-Finnish European, 15%; 14,373 homozygotes.

Submissions (4):

Unidad de Genómica Garrahan, Hospital de Pediatría Garrahan
Classification: Benign. Last evaluated: 2023-11-12. Review status: criteria provided, single submitter. Criteria: ACMG Guidelines, 2015. Collection method: clinical testing. Allele origin: germline. Affected: no. Observed: 19 variant alleles.
Comment: This variant is classified as Benign based on local population frequency. This variant was detected in 20% of patients studied by a panel of primary immunodeficiencies. Number of patients: 19. Only high quality variants are reported.

GeneDx
Classification: Benign. Last evaluated: 2021-06-19. Review status: criteria provided, single submitter. Criteria: GeneDx Variant Classification Process June 2021. Collection method: clinical testing. Allele origin: germline. Affected: yes.

Breakthrough Genomics
Classification: Benign. Review status: criteria provided, single submitter. Criteria: ACMG Guidelines, 2015. Collection method: not provided. Allele origin: germline. Inheritance: Autosomal recessive inheritance. Affected: yes.

PreventionGenetics, part of Exact Sciences
Classification: Benign. Review status: criteria provided, single submitter. Criteria: ACMG Guidelines, 2015. Collection method: clinical testing. Allele origin: germline.